The following is an entry in ClinVar:

NM_003896.4(ST3GAL5):c.578G>A (p.Arg193Gln)

Gene: ST3GAL5 (ST3 beta-galactoside alpha-2,3-sialyltransferase 5; minus strand). Cytogenetic location: 2p11.2.
Variant type: single nucleotide variant.
Coding change: c.578G>A on transcript NM_003896.4 (MANE Select); coding-DNA position 578, G replaced by A.
Protein change: p.Arg193Gln; replaces arginine 193 with glutamine.
Molecular consequence: missense variant. On other transcripts: 5 prime UTR variant (1).
Genome position (GRCh38, 1-based): chr2:85,847,945, C>T on the plus strand (G>A on the coding strand, the complement: ST3GAL5 is on the minus strand). VCF-style: chr2-85847945-C-T. GRCh37 (hg19) VCF-style: chr2-86075068-C-T.
Other names: c.509G>A, p.Arg170Gln (NM_001042437.2); c.194G>A, p.Arg65Gln (NM_001354223.2, NM_001354224.2, NM_001354226.2 and 3 more transcripts); c.494G>A, p.Arg165Gln (NM_001354227.2, NM_001354229.2, NM_001354238.1); c.-327G>A (NM_001354247.1); c.578G>A, p.Arg193Gln (NM_001363847.1); short protein forms R170Q, R165Q, R65Q, R193Q.
Identifiers: ClinVar variation 2136620 (VCV002136620.3), dbSNP rs2467076679, ClinGen allele CA347531958.

ClinVar aggregate classification (germline): Uncertain significance (1 of 4 stars; one submission).

Conditions:
GM3 synthase deficiency (SPDRS). Also called: SALT AND PEPPER MENTAL RETARDATION SYNDROME; SALT AND PEPPER DEVELOPMENTAL REGRESSION SYNDROME; AMISH INFANTILE EPILEPSY SYNDROME. Identifiers: Orphanet 171714, Orphanet 370933, MedGen C1836824, MONDO:0018274, OMIM 609056.

Allele frequency attached by ClinVar (database versions not stated): gnomAD exomes below 0.00001.
gnomAD v4.1: 3 of 1,614,158 alleles (0.00019%); highest among the groups gnomAD compares: Non-Finnish European, 0.000085%; no homozygotes.

Submission:

Labcorp Genetics (formerly Invitae), Labcorp
Classification: Uncertain significance for GM3 synthase deficiency. Last evaluated: 2024-11-18. Review status: criteria provided, single submitter. Criteria: Invitae Variant Classification Sherloc (09022015). Collection method: clinical testing. Allele origin: germline.
Comment: This sequence change replaces arginine, which is basic and polar, with glutamine, which is neutral and polar, at codon 193 of the ST3GAL5 protein (p.Arg193Gln). This variant is not present in population databases (gnomAD no frequency). This variant has not been reported in the literature in individuals affected with ST3GAL5-related conditions. ClinVar contains an entry for this variant (Variation ID: 2136620). An algorithm developed to predict the effect of missense changes on protein structure and function outputs the following: PolyPhen-2: "Benign". The glutamine amino acid residue is found in multiple mammalian species, which suggests that this missense change does not adversely affect protein function. In summary, the available evidence is currently insufficient to determine the role of this variant in disease. Therefore, it has been classified as a Variant of Uncertain Significance.